The following is an entry in ClinVar:

NM_006204.4(PDE6C):c.2219T>C (p.Met740Thr)

Gene: PDE6C (phosphodiesterase 6C; plus strand). Cytogenetic location: 10q23.33.
Variant type: single nucleotide variant.
Coding change: c.2219T>C on transcript NM_006204.4 (MANE Select); coding-DNA position 2219, T replaced by C.
Protein change: p.Met740Thr; replaces methionine 740 with threonine.
Molecular consequence: missense variant.
Genome position (GRCh38, 1-based): chr10:93,662,069, T>C. VCF-style: chr10-93662069-T-C. GRCh37 (hg19) VCF-style: chr10-95421826-T-C.
Other names: short protein forms M740T.
Identifiers: ClinVar variation 1284751 (VCV001284751.8), dbSNP rs1408988078, ClinGen allele CA377627150.

ClinVar aggregate classification (germline): Uncertain significance. Review status: criteria provided, single submitter (1 of 4 stars). 3 submissions from 3 submitters: Uncertain significance (1). 2 of the submissions do not count toward it. Last evaluated 2021-12-24.

Allele frequency attached by ClinVar (database versions not stated): gnomAD exomes 0.00001; TOPMed 0.00001; gnomAD 0.00002.
gnomAD v4.1: 13 of 1,605,816 alleles (0.00081%); highest among the groups gnomAD compares: East Asian, 0.0022%; no homozygotes.

Submissions (3):

Labcorp Genetics (formerly Invitae), Labcorp
Classification: Uncertain significance. Last evaluated: 2021-12-24. Review status: criteria provided, single submitter. Criteria: Invitae Variant Classification Sherloc (09022015). Collection method: clinical testing. Allele origin: germline.
Comment: This sequence change replaces methionine, which is neutral and non-polar, with threonine, which is neutral and polar, at codon 740 of the PDE6C protein (p.Met740Thr). This variant is present in population databases (no rsID available, gnomAD 0.003%). This variant has not been reported in the literature in individuals affected with PDE6C-related conditions. ClinVar contains an entry for this variant (Variation ID: 1284751). Algorithms developed to predict the effect of missense changes on protein structure and function are either unavailable or do not agree on the potential impact of this missense change (SIFT: "Deleterious"; PolyPhen-2: "Benign"; Align-GVGD: "Class C45"). In summary, the available evidence is currently insufficient to determine the role of this variant in disease. Therefore, it has been classified as a Variant of Uncertain Significance.

Clinical Genetics DNA and cytogenetics Diagnostics Lab, Erasmus MC, Erasmus Medical Center
Classification: Uncertain significance. Review status: no assertion criteria provided. Collection method: clinical testing. Allele origin: germline. Affected: yes. Study: VKGL Data-share Consensus. Not counted in ClinVar's aggregate classification.

Clinical Genetics, Academic Medical Center
Classification: Uncertain significance. Review status: no assertion criteria provided. Collection method: clinical testing. Allele origin: germline. Affected: yes. Study: VKGL Data-share Consensus. Not counted in ClinVar's aggregate classification.